The following is an entry in ClinVar:

ClinVar aggregate classification (germline): Uncertain significance. Review status: criteria provided, multiple submitters, no conflicts (2 of 4 stars). 2 submissions from 2 submitters: Uncertain significance (2). Last evaluated 2025-03-10.

Conditions:
Inborn genetic diseases. Identifiers: MedGen C0950123, MeSH D030342.

Allele frequency attached by ClinVar (database versions not stated): gnomAD exomes 0.00001; gnomAD 0.00003 and 0.00005; TOPMed 0.00004.
gnomAD v4.1: 27 of 1,600,540 alleles (0.0017%); highest among the groups gnomAD compares: Admixed American, 0.0084%; no homozygotes.

Submissions (2):

Labcorp Genetics (formerly Invitae), Labcorp
Classification: Uncertain significance. Last evaluated: 2025-03-10. Review status: criteria provided, single submitter. Criteria: Invitae Variant Classification Sherloc (09022015). Collection method: clinical testing. Allele origin: germline.
Comment: This sequence change replaces arginine, which is basic and polar, with glutamine, which is neutral and polar, at codon 30 of the GPR179 protein (p.Arg30Gln). This variant is present in population databases (no rsID available, gnomAD 0.006%). This variant has not been reported in the literature in individuals affected with GPR179-related conditions. ClinVar contains an entry for this variant (Variation ID: 1419931). An algorithm developed to predict the effect of missense changes on protein structure and function outputs the following: PolyPhen-2: "Benign". The glutamine amino acid residue is found in multiple mammalian species, which suggests that this missense change does not adversely affect protein function. In summary, the available evidence is currently insufficient to determine the role of this variant in disease. Therefore, it has been classified as a Variant of Uncertain Significance.

Ambry Genetics
Classification: Uncertain significance for Inborn genetic diseases. Last evaluated: 2023-05-26. Review status: criteria provided, single submitter. Criteria: Ambry Variant Classification Scheme 2023. Collection method: clinical testing. Allele origin: germline.

NM_001004334.4(GPR179):c.89G>A (p.Arg30Gln)

Gene: GPR179 (G protein-coupled receptor 179; minus strand). Cytogenetic location: 17q12.
Variant type: single nucleotide variant.
Coding change: c.89G>A on transcript NM_001004334.4 (MANE Select); coding-DNA position 89, G replaced by A.
Protein change: p.Arg30Gln; replaces arginine 30 with glutamine.
Molecular consequence: missense variant.
Genome position (GRCh38, 1-based): chr17:38,343,701, C>T on the plus strand (G>A on the coding strand, the complement: GPR179 is on the minus strand). VCF-style: chr17-38343701-C-T. GRCh37 (hg19) VCF-style: chr17-36499584-C-T.
Other names: c.89G>A (NM_001004334.2); short protein forms R30Q.
Identifiers: ClinVar variation 1419931 (VCV001419931.7), dbSNP rs1025206920, ClinGen allele CA290111944.